The following is an entry in ClinVar:

ClinVar aggregate classification (germline): Likely benign. Review status: criteria provided, single submitter (1 of 4 stars). 2 submissions from 2 submitters: Likely benign (1). 1 of the submissions does not count toward it. Last evaluated 2025-09-21.

Conditions:
HPS5-related disorder. Also called: HPS5-related condition.

Allele frequency attached by ClinVar (database versions not stated): gnomAD exomes below 0.00001; TOPMed 0.00001.
gnomAD v4.1: 2 of 1,613,014 alleles (0.00012%); highest among the groups gnomAD compares: East Asian, 0.0022%; no homozygotes.

Submissions (2):

Labcorp Genetics (formerly Invitae), Labcorp
Classification: Likely benign. Last evaluated: 2025-09-21. Review status: criteria provided, single submitter. Criteria: Invitae Variant Classification Sherloc (09022015). Collection method: clinical testing. Allele origin: germline.

PreventionGenetics, part of Exact Sciences
Classification: Likely benign for HPS5-related condition. Last evaluated: 2021-03-17. Review status: no assertion criteria provided. Collection method: clinical testing. Allele origin: germline. Not counted in ClinVar's aggregate classification.
Comment: This variant is classified as likely benign based on ACMG/AMP sequence variant interpretation guidelines (Richards et al. 2015 PMID: 25741868, with internal and published modifications).

NM_181507.2(HPS5):c.3018T>C (p.Ile1006=)

Gene: HPS5 (HPS5 biogenesis of lysosomal organelles complex 2 subunit 2; minus strand). Cytogenetic location: 11p15.1.
Variant type: single nucleotide variant.
Coding change: c.3018T>C on transcript NM_181507.2 (MANE Select); coding-DNA position 3018, T replaced by C.
Protein change: p.Ile1006=; no amino-acid change (isoleucine 1006 retained).
Molecular consequence: synonymous variant.
Genome position (GRCh38, 1-based): chr11:18,283,835, A>G on the plus strand (T>C on the coding strand, the complement: HPS5 is on the minus strand). VCF-style: chr11-18283835-A-G. GRCh37 (hg19) VCF-style: chr11-18305382-A-G.
Other names: c.2676T>C, p.Ile892= (NM_007216.4, NM_181508.2).
Identifiers: ClinVar variation 1552637 (VCV001552637.10), dbSNP rs1455639945, ClinGen allele CA473369316.